The following is an entry in ClinVar:

ClinVar aggregate classification (germline): Uncertain significance (1 of 4 stars; one submission).

Conditions:
Fanconi anemia complementation group O. Also called: RAD51C-Related Fanconi Anemia. Identifiers: Orphanet 84, MedGen C3150653, MONDO:0013248, OMIM 613390.

Allele frequency attached by ClinVar (database versions not stated): gnomAD exomes below 0.00001.
gnomAD v4.1: 1 of 1,604,898 alleles (0.000062%); highest among the groups gnomAD compares: Non-Finnish European, 0.000085%; no homozygotes.

Submission:

Labcorp Genetics (formerly Invitae), Labcorp
Classification: Uncertain significance for Fanconi anemia complementation group O. Last evaluated: 2023-01-12. Review status: criteria provided, single submitter. Criteria: Invitae Variant Classification Sherloc (09022015). Collection method: clinical testing. Allele origin: germline.
Comment: In summary, the available evidence is currently insufficient to determine the role of this variant in disease. Therefore, it has been classified as a Variant of Uncertain Significance. Variants that disrupt the consensus splice site are a relatively common cause of aberrant splicing (PMID: 17576681, 9536098). Algorithms developed to predict the effect of sequence changes on RNA splicing suggest that this variant is not likely to affect RNA splicing. This variant has not been reported in the literature in individuals affected with RAD51C-related conditions. This variant is present in population databases (no rsID available, gnomAD 0.0009%). This sequence change falls in intron 6 of the RAD51C gene. It does not directly change the encoded amino acid sequence of the RAD51C protein. It affects a nucleotide within the consensus splice site.

Literature cited by the submitters: PubMed 17576681; PubMed 9536098.

NM_058216.3(RAD51C):c.904+3G>A

Gene: RAD51C (RAD51 paralog C; plus strand). Cytogenetic location: 17q22.
Variant type: single nucleotide variant.
Coding change: c.904+3G>A on transcript NM_058216.3 (MANE Select); 3 bases into the intron after coding-DNA position 904, G replaced by A.
Molecular consequence: intron variant.
Genome position (GRCh38, 1-based): chr17:58,720,815, G>A. VCF-style: chr17-58720815-G-A. GRCh37 (hg19) VCF-style: chr17-56798176-G-A.
Identifiers: ClinVar variation 2827963 (VCV002827963.3), dbSNP rs1290236617, ClinGen allele CA626737115.